The following is an entry in ClinVar:

NM_001040142.2(SCN2A):c.5460T>A (p.Asp1820Glu)

Gene: SCN2A (sodium voltage-gated channel alpha subunit 2; plus strand). Cytogenetic location: 2q24.3.
Variant type: single nucleotide variant.
Coding change: c.5460T>A on transcript NM_001040142.2 (MANE Select); coding-DNA position 5460, T replaced by A.
Protein change: p.Asp1820Glu; replaces aspartic acid 1820 with glutamic acid.
Molecular consequence: missense variant.
Genome position (GRCh38, 1-based): chr2:165,389,266, T>A. VCF-style: chr2-165389266-T-A. GRCh37 (hg19) VCF-style: chr2-166245776-T-A.
Other names: c.5460T>A, p.Asp1820Glu (NM_001040143.2, NM_001371246.1, NM_001371247.1 and 1 more transcripts); short protein forms D1820E.
Identifiers: ClinVar variation 4788537 (VCV004788537.1).

ClinVar aggregate classification (germline): Uncertain significance (1 of 4 stars; one submission).

Conditions:
Developmental and epileptic encephalopathy, 11 (DEE11). Also called: Early infantile epileptic encephalopathy 11. Identifiers: Orphanet 1934, MedGen C3150987, MONDO:0013388, OMIM 613721.
Seizures, benign familial infantile, 3 (BFIS3). Also called: CONVULSIONS, BENIGN FAMILIAL INFANTILE, 3; Familial neonatal seizures. Identifiers: Orphanet 140927, Orphanet 306, MedGen C1843140, MONDO:0011904, OMIM 607745.

gnomAD v4.1: 1 of 1,614,050 alleles (0.000062%); no homozygotes.

Submission:

Labcorp Genetics (formerly Invitae), Labcorp
Classification: Uncertain significance for Seizures, benign familial infantile, 3; Developmental and epileptic encephalopathy, 11. Last evaluated: 2025-04-15. Review status: criteria provided, single submitter. Criteria: Invitae Variant Classification Sherloc (09022015). Collection method: clinical testing. Allele origin: germline.
Comment: This sequence change replaces aspartic acid, which is acidic and polar, with glutamic acid, which is acidic and polar, at codon 1820 of the SCN2A protein (p.Asp1820Glu). This variant is not present in population databases (gnomAD no frequency). This variant has not been reported in the literature in individuals affected with SCN2A-related conditions. Invitae Evidence Modeling of protein sequence and biophysical properties (such as structural, functional, and spatial information, amino acid conservation, physicochemical variation, residue mobility, and thermodynamic stability) indicates that this missense variant is not expected to disrupt SCN2A protein function with a negative predictive value of 95%. In summary, the available evidence is currently insufficient to determine the role of this variant in disease. Therefore, it has been classified as a Variant of Uncertain Significance.